The following is an entry in ClinVar:

ClinVar aggregate classification (germline): Benign (1 of 4 stars; one submission).

Allele frequency attached by ClinVar (database versions not stated): 1000 Genomes Project 0.06809; 1000 Genomes Project 30x 0.07292; gnomAD 0.14178.
gnomAD v4.1: 8,756 of 61,880 alleles (14%); highest among the groups gnomAD compares: African/African-American, 30%; 639 homozygotes.

Submission:

Women's Health and Genetics/Laboratory Corporation of America, LabCorp
Classification: Benign. Last evaluated: 2022-05-20. Review status: criteria provided, single submitter. Criteria: LabCorp Variant Classification Summary - May 2015. Collection method: clinical testing. Allele origin: germline.
Comment: Variant summary: CFTR c.3367+196C>T is located at a position not widely known to affect splicing. The variant allele was found at a frequency of 0.14 in 12198 control chromosomes in the gnomAD database, including 127 homozygotes. The observed variant frequency is approximately 11 fold of the estimated maximal expected allele frequency for a pathogenic variant in CFTR causing Cystic Fibrosis phenotype (0.013), strongly suggesting that the variant is benign. To our knowledge, no occurrence of c.3367+196C>T in individuals affected with Cystic Fibrosis and no experimental evidence demonstrating its impact on protein function have been reported. No clinical diagnostic laboratories have submitted clinical-significance assessments for this variant to ClinVar after 2014. Based on the evidence outlined above, the variant was classified as benign.

NM_000492.4(CFTR):c.3367+196C>T

Genes: CFTR (CF transmembrane conductance regulator; plus strand), CFTR-AS2 (CFTR antisense RNA 2; minus strand), LOC111674472 (DNase I hypersensitive sites in introns 16 and 17a of CFTR; plus strand). Cytogenetic location: 7q31.2.
Variant type: single nucleotide variant.
Coding change: c.3367+196C>T on transcript NM_000492.4 (MANE Select); 196 bases into the intron after coding-DNA position 3367, C replaced by T.
Molecular consequence: intron variant.
Genome position (GRCh38, 1-based): chr7:117,612,004, C>T. VCF-style: chr7-117612004-C-T. GRCh37 (hg19) VCF-style: chr7-117252058-C-T.
Identifiers: ClinVar variation 1696142 (VCV001696142.1), dbSNP rs28449716, ClinGen allele CA164966946.